The following is an entry in ClinVar:

ClinVar aggregate classification (germline): Uncertain significance (1 of 4 stars; one submission).

Submission:

Labcorp Genetics (formerly Invitae), Labcorp
Classification: Uncertain significance. Last evaluated: 2024-05-14. Review status: criteria provided, single submitter. Criteria: Invitae Variant Classification Sherloc (09022015). Collection method: clinical testing. Allele origin: germline.
Comment: This sequence change replaces arginine, which is basic and polar, with cysteine, which is neutral and slightly polar, at codon 469 of the NACC1 protein (p.Arg469Cys). This variant is present in population databases (rs763643070, gnomAD 0.0009%). This variant has not been reported in the literature in individuals affected with NACC1-related conditions. Advanced modeling of protein sequence and biophysical properties (such as structural, functional, and spatial information, amino acid conservation, physicochemical variation, residue mobility, and thermodynamic stability) performed at Invitae indicates that this missense variant is not expected to disrupt NACC1 protein function with a negative predictive value of 80%. In summary, the available evidence is currently insufficient to determine the role of this variant in disease. Therefore, it has been classified as a Variant of Uncertain Significance.

NM_052876.4(NACC1):c.1405C>T (p.Arg469Cys)

Gene: NACC1 (nucleus accumbens associated 1; plus strand). Cytogenetic location: 19p13.13.
Variant type: single nucleotide variant.
Coding change: c.1405C>T on transcript NM_052876.4 (MANE Select); coding-DNA position 1405, C replaced by T.
Protein change: p.Arg469Cys; replaces arginine 469 with cysteine.
Molecular consequence: missense variant.
Genome position (GRCh38, 1-based): chr19:13,138,227, C>T. VCF-style: chr19-13138227-C-T. GRCh37 (hg19) VCF-style: chr19-13249041-C-T.
Other names: short protein forms R469C.
Identifiers: ClinVar variation 3653405 (VCV003653405.2).